The following is an entry in ClinVar:

ClinVar aggregate classification (germline): Uncertain significance (1 of 4 stars; one submission).

Allele frequency attached by ClinVar (database versions not stated): TOPMed 0.00001.
gnomAD v4.1: 17 of 1,603,188 alleles (0.0011%); highest among the groups gnomAD compares: Non-Finnish European, 0.0014%; no homozygotes.

Submission:

Labcorp Genetics (formerly Invitae), Labcorp
Classification: Uncertain significance. Last evaluated: 2023-01-24. Review status: criteria provided, single submitter. Criteria: Invitae Variant Classification Sherloc (09022015). Collection method: clinical testing. Allele origin: germline.
Comment: This sequence change replaces lysine, which is basic and polar, with arginine, which is basic and polar, at codon 379 of the FSCN2 protein (p.Lys379Arg). This variant is not present in population databases (gnomAD no frequency). This variant has not been reported in the literature in individuals affected with FSCN2-related conditions. Algorithms developed to predict the effect of missense changes on protein structure and function output the following: SIFT: "Deleterious"; PolyPhen-2: "Benign"; Align-GVGD: "Class C0". The arginine amino acid residue is found in multiple mammalian species, which suggests that this missense change does not adversely affect protein function. Algorithms developed to predict the effect of sequence changes on RNA splicing suggest that this variant may disrupt the consensus splice site. In summary, the available evidence is currently insufficient to determine the role of this variant in disease. Therefore, it has been classified as a Variant of Uncertain Significance.

NM_012418.4(FSCN2):c.1106-42A>G

Gene: FSCN2 (fascin actin-bundling protein 2, retinal; plus strand). Cytogenetic location: 17q25.3.
Variant type: single nucleotide variant.
Coding change: c.1106-42A>G on transcript NM_012418.4 (MANE Select); 42 bases into the intron before coding-DNA position 1106, A replaced by G.
Molecular consequence: intron variant. On other transcripts: missense variant (1).
Genome position (GRCh38, 1-based): chr17:81,536,580, A>G. VCF-style: chr17-81536580-A-G. GRCh37 (hg19) VCF-style: chr17-79503606-A-G.
Other names: c.1136A>G, p.Lys379Arg (NM_001077182.3); short protein forms K379R.
Identifiers: ClinVar variation 2797299 (VCV002797299.3), dbSNP rs2032884912, ClinGen allele CA401477383.